The following is an entry in ClinVar:

NM_053025.4(MYLK):c.1990C>T (p.Gln664Ter)

Gene: MYLK (myosin light chain kinase; minus strand). Cytogenetic location: 3q21.1.
Variant type: single nucleotide variant.
Coding change: c.1990C>T on transcript NM_053025.4 (MANE Select); coding-DNA position 1990, C replaced by T.
Protein change: p.Gln664Ter; replaces glutamine 664 with a stop codon.
Molecular consequence: nonsense.
Genome position (GRCh38, 1-based): chr3:123,708,848, G>A on the plus strand (C>T on the coding strand, the complement: MYLK is on the minus strand). VCF-style: chr3-123708848-G-A. GRCh37 (hg19) VCF-style: chr3-123427695-G-A.
Other names: c.1462C>T, p.Gln488Ter (NM_001321309.2); c.1783C>T, p.Gln595Ter (NM_053026.4, NM_053028.4); c.1990C>T, p.Gln664Ter (NM_053027.4); short protein forms Q664*, Q595*, Q488*.
Identifiers: ClinVar variation 539068 (VCV000539068.8), dbSNP rs1553809100, ClinGen allele CA354234514.

ClinVar aggregate classification (germline): Uncertain significance (1 of 4 stars; one submission).

Conditions:
Aortic aneurysm, familial thoracic 7 (AAT7). Also called: AORTIC DISSECTION, FAMILIAL, WITH OR WITHOUT AORTIC ANEURYSM. Identifiers: MedGen C3151077, MONDO:0013418, OMIM 613780.

Allele frequency attached by ClinVar (database versions not stated): TOPMed 0.00002.

Submission:

Labcorp Genetics (formerly Invitae), Labcorp
Classification: Uncertain significance for Aortic aneurysm, familial thoracic 7. Last evaluated: 2018-01-20. Review status: criteria provided, single submitter. Criteria: Invitae Variant Classification Sherloc (09022015). Collection method: clinical testing. Allele origin: germline.
Comment: In summary, the available evidence is currently insufficient to determine the role of this variant in disease. Therefore, it has been classified as a Variant of Uncertain Significance. The current clinical and genetic evidence is not sufficient to establish whether loss-of-function variants in MYLK cause disease. This variant has not been reported in the literature in individuals with MYLK-related disease. This variant is not present in population databases (ExAC no frequency). This sequence change creates a premature translational stop signal (p.Gln664*) in the MYLK gene. It is expected to result in an absent or disrupted protein product.